The following is an entry in ClinVar:

NM_001082971.2(DDC):c.682A>G (p.Arg228Gly)

Gene: DDC (dopa decarboxylase; minus strand). Cytogenetic location: 7p12.1.
Variant type: single nucleotide variant.
Coding change: c.682A>G on transcript NM_001082971.2 (MANE Select); coding-DNA position 682, A replaced by G.
Protein change: p.Arg228Gly; replaces arginine 228 with glycine.
Molecular consequence: missense variant. On other transcripts: intron variant (2).
Genome position (GRCh38, 1-based): chr7:50,528,169, T>C on the plus strand (A>G on the coding strand, the complement: DDC is on the minus strand). VCF-style: chr7-50528169-T-C. GRCh37 (hg19) VCF-style: chr7-50595867-T-C.
Other names: c.682A>G, p.Arg228Gly (NM_000790.4, NM_001242890.2); c.568A>G, p.Arg190Gly (NM_001242886.2); c.448A>G, p.Arg150Gly (NM_001242888.2); c.435+9691A>G (NM_001242889.2); c.570+1039A>G (NM_001242887.2); short protein forms R150G, R228G, R190G.
Identifiers: ClinVar variation 1979255 (VCV001979255.4), dbSNP rs1411013487, ClinGen allele CA367525771.
Genomic context (GRCh38, chr7:50,528,169, plus strand): 5'-CAGGAGCCACAAGTGCTGCCGAACTTACAAAGAAAGGAATCAGGCCAGCCGCTTTGTCTC[T>C]CTCCAGGGCTTCCTGCAGGGCAGACGCACGCATGGCGAAGTTGCCATCTGAGGGGATGGC-3'
Protein context (NP_001076440.2, residues 218-238): RASALQEALE[Arg228Gly]DKAAGLIPFF

ClinVar aggregate classification (germline): Uncertain significance (1 of 4 stars; one submission).

Conditions:
Deficiency of aromatic-L-amino-acid decarboxylase. Also called: Aromatic amino acid decarboxylase deficiency; AADC DEFICIENCY; DDC DEFICIENCY; DOPA DECARBOXYLASE DEFICIENCY; Aromatic L-Amino Acid Decarboxylase Deficiency. Identifiers: Orphanet 35708, MedGen C1291564, MONDO:0012084, OMIM 608643.

Allele frequency attached by ClinVar (database versions not stated): TOPMed below 0.00001; gnomAD 0.00001; gnomAD exomes 0.00001.
gnomAD v4.1: 10 of 1,613,502 alleles (0.00062%); highest among the groups gnomAD compares: East Asian, 0.0022%; no homozygotes.

Submission:

Labcorp Genetics (formerly Invitae), Labcorp
Classification: Uncertain significance for Deficiency of aromatic-L-amino-acid decarboxylase. Last evaluated: 2022-06-20. Review status: criteria provided, single submitter. Criteria: Invitae Variant Classification Sherloc (09022015). Collection method: clinical testing. Allele origin: germline.
Comment: This variant is not present in population databases (gnomAD no frequency). This sequence change replaces arginine, which is basic and polar, with glycine, which is neutral and non-polar, at codon 228 of the DDC protein (p.Arg228Gly). This variant has not been reported in the literature in individuals affected with DDC-related conditions. Algorithms developed to predict the effect of missense changes on protein structure and function are either unavailable or do not agree on the potential impact of this missense change (SIFT: "Deleterious"; PolyPhen-2: "Benign"; Align-GVGD: "Class C15"). In summary, the available evidence is currently insufficient to determine the role of this variant in disease. Therefore, it has been classified as a Variant of Uncertain Significance.